The following is an entry in ClinVar:

ClinVar aggregate classification (germline): Uncertain significance. Review status: criteria provided, multiple submitters, no conflicts (2 of 4 stars). 2 submissions from 2 submitters: Uncertain significance (2). Last evaluated 2024-02-06.

Conditions:
Gingival disorder. Also called: Gingival disease. Identifiers: MedGen C0017563, MONDO:0002021.

Allele frequency attached by ClinVar (database versions not stated): gnomAD 0.00001; TOPMed 0.00004; ExAC 0.00006.
gnomAD v4.1: 12 of 1,613,946 alleles (0.00074%); highest among the groups gnomAD compares: East Asian, 0.027%; no homozygotes.

Submissions (2):

Ambry Genetics
Classification: Uncertain significance. Last evaluated: 2024-02-06. Review status: criteria provided, single submitter. Criteria: Ambry Variant Classification Scheme 2023. Collection method: clinical testing. Allele origin: germline.

Labcorp Genetics (formerly Invitae), Labcorp
Classification: Uncertain significance for Gingival disorder. Last evaluated: 2023-09-11. Review status: criteria provided, single submitter. Criteria: Invitae Variant Classification Sherloc (09022015). Collection method: clinical testing. Allele origin: germline.
Comment: This sequence change replaces isoleucine, which is neutral and non-polar, with valine, which is neutral and non-polar, at codon 146 of the FPR1 protein (p.Ile146Val). This variant is present in population databases (rs756459168, gnomAD 0.08%), and has an allele count higher than expected for a pathogenic variant. This variant has not been reported in the literature in individuals affected with FPR1-related conditions. Algorithms developed to predict the effect of missense changes on protein structure and function output the following: SIFT: "Not Available"; PolyPhen-2: "Benign"; Align-GVGD: "Not Available". The valine amino acid residue is found in multiple mammalian species, which suggests that this missense change does not adversely affect protein function. In summary, the available evidence is currently insufficient to determine the role of this variant in disease. Therefore, it has been classified as a Variant of Uncertain Significance.

NM_002029.4(FPR1):c.436A>G (p.Ile146Val)

Gene: FPR1 (formyl peptide receptor 1; minus strand). Cytogenetic location: 19q13.41.
Variant type: single nucleotide variant.
Coding change: c.436A>G on transcript NM_002029.4 (MANE Select); coding-DNA position 436, A replaced by G.
Protein change: p.Ile146Val; replaces isoleucine 146 with valine.
Molecular consequence: missense variant.
Genome position (GRCh38, 1-based): chr19:51,746,559, T>C on the plus strand (A>G on the coding strand, the complement: FPR1 is on the minus strand). VCF-style: chr19-51746559-T-C. GRCh37 (hg19) VCF-style: chr19-52249812-T-C.
Other names: c.436A>G, p.Ile146Val (NM_001193306.2); short protein forms I146V.
Identifiers: ClinVar variation 3017810 (VCV003017810.4), dbSNP rs756459168, ClinGen allele CA9616465.